The following is an entry in ClinVar:

ClinVar aggregate classification (germline): Uncertain significance (1 of 4 stars; one submission).

Conditions:
TUB-related disorder. Also called: TUB-related condition.

Allele frequency attached by ClinVar (database versions not stated): TOPMed below 0.00001; gnomAD 0.00001; ExAC 0.00002.
gnomAD v4.1: 12 of 1,612,960 alleles (0.00074%); highest among the groups gnomAD compares: Admixed American, 0.0033%; no homozygotes.

Submission:

PreventionGenetics, part of Exact Sciences
Classification: Uncertain significance for TUB-related condition. Last evaluated: 2024-12-23. Review status: criteria provided, single submitter. Criteria: ACMG Guidelines, 2015. Collection method: clinical testing. Allele origin: germline.
Comment: The TUB c.649G>A variant is predicted to result in the amino acid substitution p.Ala217Thr. To our knowledge, this variant has not been reported in the literature. This variant is reported in 0.010% of alleles in individuals of Ashkenazi Jewish descent in gnomAD. At this time, the clinical significance of this variant is uncertain due to the absence of conclusive functional and genetic evidence.

NM_177972.3(TUB):c.484G>A (p.Ala162Thr)

Genes: RIC3 (RIC3 acetylcholine receptor chaperone; minus strand), TUB (TUB bipartite transcription factor; plus strand). Cytogenetic location: 11p15.4.
Variant type: single nucleotide variant.
Coding change: c.484G>A on transcript NM_177972.3 (MANE Select); coding-DNA position 484, G replaced by A.
Protein change: p.Ala162Thr; replaces alanine 162 with threonine.
Molecular consequence: missense variant.
Genome position (GRCh38, 1-based): chr11:8,095,584, G>A. VCF-style: chr11-8095584-G-A. GRCh37 (hg19) VCF-style: chr11-8117131-G-A.
Other names: c.649G>A, p.Ala217Thr (NM_003320.5); short protein forms A162T, A217T.
Identifiers: ClinVar variation 3032768 (VCV003032768.3), dbSNP rs779298054, ClinGen allele CA5871108.
Genomic context (GRCh38, chr11:8,095,584, plus strand): 5'-GAAGACAAGTCTGAGGCCCAAGGCCCAGTGCAGATTCTGACTGTGGGCCAGTCAGACCAC[G>A]CCCAGGACGCAGGGGAGACGGCAGCTGGTGGGGGCGAACGGCCCAGCGGGCAGGATCTCC-3'
Protein context (NP_813977.1, residues 152-172): QILTVGQSDH[Ala162Thr]QDAGETAAGG